The following is an entry in ClinVar:

ClinVar aggregate classification (germline): Conflicting classifications of pathogenicity. Review status: criteria provided, conflicting classifications (1 of 4 stars). 3 submissions from 3 submitters: Uncertain significance (2); Likely benign (1). Last evaluated 2023-11-18.

Conditions:
Hereditary cancer-predisposing syndrome. Also called: Neoplastic Syndromes, Hereditary; Tumor predisposition; Hereditary Cancer Syndrome; Hereditary neoplastic syndrome. Identifiers: Orphanet 140162, MedGen C0027672, MeSH D009386, MONDO:0015356.
Hereditary breast ovarian cancer syndrome. Also called: Breast and ovarian cancer; BRCA1- and BRCA2-Associated Hereditary Breast and Ovarian Cancer; Hereditary breast and ovarian cancer; Hereditary breast and ovarian cancer syndrome (HBOC); Hereditary breast and/or ovarian cancer syndrome; Hereditary breast and ovarian cancer syndrome. Identifiers: Orphanet 145, MedGen C0677776, MeSH D061325, MONDO:0003582. Disease mechanism: loss of function.

Submissions (3):

Ambry Genetics
Classification: Uncertain significance for Hereditary cancer-predisposing syndrome. Last evaluated: 2023-11-18. Review status: criteria provided, single submitter. Criteria: Ambry Variant Classification Scheme 2023. Collection method: clinical testing. Allele origin: germline.
Comment: The p.G561V variant (also known as c.1682G>T), located in coding exon 9 of the BRCA2 gene, results from a G to T substitution at nucleotide position 1682. The glycine at codon 561 is replaced by valine, an amino acid with dissimilar properties. This amino acid position is not well conserved in available vertebrate species. In addition, this alteration is predicted to be tolerated by in silico analysis. Since supporting evidence is limited at this time, the clinical significance of this alteration remains unclear.

University of Washington Department of Laboratory Medicine, University of Washington
Classification: Likely benign for Hereditary cancer-predisposing syndrome. Last evaluated: 2023-03-23. Review status: criteria provided, single submitter. Criteria: Dines et al. (Genet Med. 2020). Collection method: curation. Allele origin: germline.
Comment: Missense variant in a coldspot region where missense variants are very unlikely to be pathogenic (PMID:31911673).

BRCA2 exon 10 coldspot. Reclassification based on statistical prior probability.

Labcorp Genetics (formerly Invitae), Labcorp
Classification: Uncertain significance for Hereditary breast ovarian cancer syndrome. Last evaluated: 2018-07-26. Review status: criteria provided, single submitter. Criteria: Invitae Variant Classification Sherloc (09022015). Collection method: clinical testing. Allele origin: germline.
Comment: This sequence change replaces glycine with valine at codon 561 of the BRCA2 protein (p.Gly561Val). The glycine residue is moderately conserved and there is a moderate physicochemical difference between glycine and valine. This variant is not present in population databases (ExAC no frequency). This variant has not been reported in the literature in individuals with BRCA2-related disease. Algorithms developed to predict the effect of missense changes on protein structure and function are either unavailable or do not agree on the potential impact of this missense change (SIFT: "Deleterious"; PolyPhen-2: "Possibly Damaging"; Align-GVGD: "Class C0"). Algorithms developed to predict the effect of sequence changes on RNA splicing suggest that this variant may create or strengthen a splice site, but this prediction has not been confirmed by published transcriptional studies. In summary, the available evidence is currently insufficient to determine the role of this variant in disease. Therefore, it has been classified as a Variant of Uncertain Significance.

NM_000059.4(BRCA2):c.1682G>T (p.Gly561Val)

Gene: BRCA2 (BRCA2 DNA repair associated; plus strand). Cytogenetic location: 13q13.1.
Variant type: single nucleotide variant.
Coding change: c.1682G>T on transcript NM_000059.4 (MANE Select); coding-DNA position 1682, G replaced by T.
Protein change: p.Gly561Val; replaces glycine 561 with valine.
Molecular consequence: missense variant.
Genome position (GRCh38, 1-based): chr13:32,333,160, G>T. VCF-style: chr13-32333160-G-T. GRCh37 (hg19) VCF-style: chr13-32907297-G-T.
Other names: short protein forms G561V.
Identifiers: ClinVar variation 649698 (VCV000649698.12), dbSNP rs1593893593, ClinGen allele CA387765150.